The following is an entry in ClinVar:

NM_001170535.3(ATAD3A):c.1664A>G (p.Asp555Gly)

Gene: ATAD3A (ATPase family AAA domain containing 3A; plus strand). Cytogenetic location: 1p36.33.
Variant type: single nucleotide variant.
Coding change: c.1664A>G on transcript NM_001170535.3 (MANE Select); coding-DNA position 1664, A replaced by G.
Protein change: p.Asp555Gly; replaces aspartic acid 555 with glycine.
Molecular consequence: missense variant.
Genome position (GRCh38, 1-based): chr1:1,533,975, A>G. VCF-style: chr1-1533975-A-G. GRCh37 (hg19) VCF-style: chr1-1469355-A-G.
Other names: c.1427A>G, p.Asp476Gly (NM_001170536.3); c.1808A>G, p.Asp603Gly (NM_018188.5); short protein forms D476G, D555G, D603G.
Identifiers: ClinVar variation 4976406 (VCV004976406.1).

ClinVar aggregate classification (germline): Uncertain significance (1 of 4 stars; one submission).

Submission:

GeneDx
Classification: Uncertain significance. Last evaluated: 2026-02-11. Review status: criteria provided, single submitter. Criteria: GeneDx Variant Classification Process June 2021. Collection method: clinical testing. Allele origin: germline.
Comment: Not observed at significant frequency in large population cohorts (gnomAD); In silico analysis supports that this missense variant has a deleterious effect on protein structure/function; Has not been previously published as pathogenic or benign to our knowledge